The following is an entry in ClinVar:

ClinVar aggregate classification (germline): Pathogenic (1 of 4 stars; one submission).

Conditions:
BBS2-related ciliopathy. Identifiers: MedGen CN378634, MONDO:1040048.

Submission:

Myriad Genetics, Inc.
Classification: Pathogenic for BBS2-related ciliopathy. Last evaluated: 2023-09-27. Review status: criteria provided, single submitter. Criteria: Myriad Autosomal Dominant, Autosomal Recessive and X-Linked Classification Criteria (2023). Collection method: clinical testing. Allele origin: unknown.
Comment: NM_031885.3(BBS2):c.1143dupC(R382Qfs*13) is expected to be pathogenic in the context of Bardet-Biedl syndrome, BBS2-related. This variant is predicted to lead to an abnormal or absent protein product due to the creation of a premature termination codon in BBS2, a gene where loss-of-function variants are known to be pathogenic. Please note: this variant was assessed in the context of healthy population screening.

NM_031885.5(BBS2):c.1143dup (p.Arg382fs)

Gene: BBS2 (Bardet-Biedl syndrome 2; minus strand). Cytogenetic location: 16q13.
Variant type: Duplication.
Coding change: c.1143dup on transcript NM_031885.5 (MANE Select); coding-DNA position 1143, one base duplicated (C; older notation c.1143dupC).
Protein change: p.Arg382fs; shifts the reading frame from arginine 382.
Molecular consequence: frameshift variant. On other transcripts: non-coding transcript variant (5).
Genome position (GRCh38, 1-based): chr16:56,501,435, G duplicated on the plus strand (C on the coding strand, the reverse complement: BBS2 is on the minus strand); the first of 2 consecutive G bases (chr16:56,501,435-56,501,436); duplicating either gives the same sequence. VCF-style (leftmost placement, unchanged base first): chr16-56501434-T-TG. GRCh37 (hg19) VCF-style: chr16-56535346-T-TG.
Other names: c.1143dup, p.Arg382fs (NM_001377456.1); short protein forms R382fs.
Identifiers: ClinVar variation 5012244 (VCV005012244.1).
Genomic context (GRCh38, chr16:56,501,434, plus strand): 5'-ATTCTGTATGAGCAGTTTGGGTCTCATTCCCCAGGCTGACTGAGAGCGTGGTGTGGAGCC[T>TG]GGTATTGGCTGGGATTATGCCCCGATGCCCATCAGCCTCGTTCAGTGGACTGGCCAATTC-3'